The following is an entry in ClinVar:

NM_005476.7(GNE):c.1727G>A (p.Gly576Glu)

Gene: GNE (glucosamine (UDP-N-acetyl)-2-epimerase/N-acetylmannosamine kinase; minus strand). Cytogenetic location: 9p13.3.
Variant type: single nucleotide variant.
Coding change: c.1727G>A on transcript NM_005476.7 (MANE Select); coding-DNA position 1727, G replaced by A.
Protein change: p.Gly576Glu; replaces glycine 576 with glutamic acid.
Molecular consequence: missense variant.
Genome position (GRCh38, 1-based): chr9:36,219,927, C>T on the plus strand (G>A on the coding strand, the complement: GNE is on the minus strand). VCF-style: chr9-36219927-C-T. GRCh37 (hg19) VCF-style: chr9-36219924-C-T.
Other names: c.1820G>A, p.Gly607Glu (NM_001128227.3); c.1505G>A, p.Gly502Glu (NM_001190383.3); c.1397G>A, p.Gly466Glu (NM_001190384.3); c.1550G>A, p.Gly517Glu (NM_001190388.2, NM_001374798.1); c.1574G>A, p.Gly525Glu (NM_001374797.1); c.1820G>A (NM_001128227.2); short protein forms G576E, G607E, G502E, G466E, G525E, G517E.
Identifiers: ClinVar variation 6026 (VCV000006026.7), dbSNP rs121908625, ClinGen allele CA253681.

ClinVar aggregate classification (germline): Conflicting classifications of pathogenicity. Review status: criteria provided, conflicting classifications (1 of 4 stars). 5 submissions from 5 submitters: Pathogenic (2); Likely pathogenic (1); Uncertain significance (1). 1 of the submissions does not count toward it. Last evaluated 2025-10-27.

Conditions:
GNE myopathy (NM). Also called: MYOPATHY, DISTAL, WITH OR WITHOUT RIMMED VACUOLES; NONAKA DISTAL MYOPATHY; INCLUSION BODY MYOPATHY, HEREDITARY, AUTOSOMAL RECESSIVE; INCLUSION BODY MYOPATHY 2, AUTOSOMAL RECESSIVE; IBM 2; Inclusion body myopathy autosomal recessive. Identifiers: Orphanet 602, MedGen C1853926, MONDO:0011603, OMIM 605820.
Sialuria. Also called: SIALURIA, FRENCH TYPE; Sialic Acid Storage Disease. Identifiers: Orphanet 3166, MedGen C0342853, MONDO:0010028, OMIM 269921.

Allele frequency attached by ClinVar (database versions not stated): gnomAD exomes below 0.00001 and 0.00001; TOPMed below 0.00001; ExAC 0.00001.
gnomAD v4.1: 1 of 1,614,144 alleles (0.000062%); highest among the groups gnomAD compares: Admixed American, 0.0017%; no homozygotes.

Submissions (5):

Labcorp Genetics (formerly Invitae), Labcorp
Classification: Pathogenic for Sialuria; GNE myopathy. Last evaluated: 2025-10-27. Review status: criteria provided, single submitter. Criteria: Invitae Variant Classification Sherloc (09022015). Collection method: clinical testing. Allele origin: germline.
Comment: This sequence change replaces glycine, which is neutral and non-polar, with glutamic acid, which is acidic and polar, at codon 607 of the GNE protein (p.Gly607Glu). This variant is present in population databases (rs121908625, gnomAD 0.003%). This missense change has been observed in individual(s) with autosomal recessive GNE-related myopathy (PMID: 11528398, 39332896; internal data). In at least one individual the data is consistent with being in trans (on the opposite chromosome) from a pathogenic variant. This variant is also known as G576E. ClinVar contains an entry for this variant (Variation ID: 6026). Invitae Evidence Modeling of protein sequence and biophysical properties (such as structural, functional, and spatial information, amino acid conservation, physicochemical variation, residue mobility, and thermodynamic stability) has been performed for this missense variant. However, the output from this modeling did not meet the statistical confidence thresholds required to predict the impact of this variant on GNE protein function. Experimental studies have shown that this missense change affects GNE function (PMID: 16503651). For these reasons, this variant has been classified as Pathogenic.

Women's Health and Genetics/Laboratory Corporation of America, LabCorp
Classification: Pathogenic for GNE myopathy. Last evaluated: 2025-07-22. Review status: criteria provided, single submitter. Criteria: LabCorp Variant Classification Summary - May 2015. Collection method: clinical testing. Allele origin: germline.
Comment: Variant summary: GNE c.1820G>A (p.Gly607Glu) results in a non-conservative amino acid change in the encoded protein sequence. Algorithms developed to predict the effect of missense changes on protein structure and function all suggest that this variant is likely to be disruptive. The variant allele was found at a frequency of 8e-06 in 251486 control chromosomes (gnomAD). c.1820G>A has been observed in individuals affected with Inclusion Body Myopathy 2 or GNE myopathy (e.g., Eisenberg_2001, Jiao_2024). These data indicate that the variant is likely to be associated with disease. At least one publication reports experimental evidence evaluating an impact on protein function. The most pronounced variant effect results in 10%-<30% of normal enzymatic activity (Penner_2006). The following publications have been ascertained in the context of this evaluation (PMID: 11528398, 16503651). ClinVar contains an entry for this variant (Variation ID: 6026). Based on the evidence outlined above, the variant was classified as pathogenic.

Baylor Genetics
Classification: Likely pathogenic for GNE myopathy. Last evaluated: 2023-12-01. Review status: criteria provided, single submitter. Criteria: ACMG Guidelines, 2015. Collection method: clinical testing. Allele origin: unknown.

ARUP Laboratories, Molecular Genetics and Genomics, ARUP Laboratories
Classification: Uncertain significance. Review status: criteria provided, single submitter. Criteria: ARUP Molecular Germline Variant Investigation Process 2024. Collection method: clinical testing. Allele origin: germline.

OMIM
Classification: Pathogenic for NONAKA MYOPATHY. Last evaluated: 2001-09-01. Review status: no assertion criteria provided. Collection method: literature only. Allele origin: germline. Not counted in ClinVar's aggregate classification.

Literature cited by the submitters: PubMed 11528398 (cited by 3 submitters); PubMed 39332896 (cited by Labcorp Genetics (formerly Invitae), Labcorp and Women's Health and Genetics/Laboratory Corporation of America, LabCorp); PubMed 16503651 (cited by Labcorp Genetics (formerly Invitae), Labcorp and Women's Health and Genetics/Laboratory Corporation of America, LabCorp).